The following is an entry in ClinVar:

ClinVar aggregate classification (germline): Uncertain significance (1 of 4 stars; one submission).

Conditions:
Sandhoff disease. Also called: GM2-GANGLIOSIDOSIS, TYPE II; HEXOSAMINIDASES A AND B DEFICIENCY; Beta-hexosaminidase-beta-subunit deficiency; GM2 gangliosidosis, type 2; Total hexosaminidase deficiency; Sandhoff-Jatzkewitz-Pilz disease. Identifiers: Orphanet 796, MedGen C0036161, MONDO:0010006, OMIM 268800.

Submission:

Labcorp Genetics (formerly Invitae), Labcorp
Classification: Uncertain significance for Sandhoff disease. Last evaluated: 2022-09-01. Review status: criteria provided, single submitter. Criteria: Invitae Variant Classification Sherloc (09022015). Collection method: clinical testing. Allele origin: germline.
Comment: This variant is not present in population databases (gnomAD no frequency). This variant has not been reported in the literature in individuals affected with HEXB-related conditions. Variants that disrupt the consensus splice site are a relatively common cause of aberrant splicing (PMID: 17576681, 9536098). Algorithms developed to predict the effect of sequence changes on RNA splicing suggest that this variant may disrupt the consensus splice site. This variant disrupts the c.1169+5G nucleotide in the HEXB gene. Other variant(s) that disrupt this nucleotide have been determined to be pathogenic (PMID: 22848519). This suggests that this nucleotide is clinically significant, and that variants that disrupt this position are likely to be disease-causing. In summary, the available evidence is currently insufficient to determine the role of this variant in disease. Therefore, it has been classified as a Variant of Uncertain Significance. This sequence change falls in intron 9 of the HEXB gene. It does not directly change the encoded amino acid sequence of the HEXB protein. It affects a nucleotide within the consensus splice site.

Literature cited by the submitters: PubMed 17576681; PubMed 9536098; PubMed 22848519.

NM_000521.4(HEXB):c.1169+5G>C

Gene: HEXB (hexosaminidase subunit beta; plus strand). Cytogenetic location: 5q13.3.
Variant type: single nucleotide variant.
Coding change: c.1169+5G>C on transcript NM_000521.4 (MANE Select); 5 bases into the intron after coding-DNA position 1169, G replaced by C.
Molecular consequence: intron variant.
Genome position (GRCh38, 1-based): chr5:74,716,678, G>C. VCF-style: chr5-74716678-G-C. GRCh37 (hg19) VCF-style: chr5-74012503-G-C.
Other names: c.494+5G>C (NM_001292004.2).
Identifiers: ClinVar variation 2047833 (VCV002047833.4), dbSNP rs1554036739, ClinGen allele CA2580073422.
Genomic context (GRCh38, chr5:74,716,678, plus strand): 5'-AGGCAAAAAGGCTTTGGCACAGATTTTAAGAAACTAGAATCTTTCTACATTCAAAAGTAA[G>C]TTGTTTGAAAGCCTATTTCTGTATTAATGCTTTTTGTAAAAGTTTATTTAGTAATGTGCT-3'